The following is an entry in ClinVar:

ClinVar aggregate classification (germline): Likely benign. Review status: criteria provided, multiple submitters, no conflicts (2 of 4 stars). 2 submissions from 2 submitters: Likely benign (2). Last evaluated 2025-05-29.

Conditions:
CEP290-related disorder. Also called: CEP290-related disorders; CEP290-related condition. Identifiers: MedGen CN239314.
Meckel-Gruber syndrome. Also called: Dysencephalia splachnocystica; DYSENCEPHALIA SPLANCHNOCYSTICA; GRUBER SYNDROME. Identifiers: Orphanet 564, MedGen C0265215, MONDO:0018921.
Joubert syndrome. Also called: Familial aplasia of the vermis; JOUBERT-BOLTSHAUSER SYNDROME. Identifiers: Orphanet 475, MedGen C5979921, MONDO:0018772.
Nephronophthisis. Also called: Juvenile Nephronophthisis. Identifiers: Orphanet 655, MedGen C0687120, MONDO:0019005, HP:0000090.

Submissions (2):

PreventionGenetics, part of Exact Sciences
Classification: Likely benign for CEP290-related condition. Last evaluated: 2025-05-29. Review status: criteria provided, single submitter. Criteria: ACMG Guidelines, 2015. Collection method: clinical testing. Allele origin: germline.
Comment: This variant is classified as likely benign based on ACMG/AMP sequence variant interpretation guidelines (Richards et al. 2015 PMID: 25741868, with internal and published modifications).

Labcorp Genetics (formerly Invitae), Labcorp
Classification: Likely benign for Joubert syndrome; Meckel-Gruber syndrome; Nephronophthisis. Last evaluated: 2023-10-20. Review status: criteria provided, single submitter. Criteria: Invitae Variant Classification Sherloc (09022015). Collection method: clinical testing. Allele origin: germline.

NM_025114.4(CEP290):c.4071A>G (p.Gln1357=)

Gene: CEP290 (centrosomal protein 290; minus strand). Cytogenetic location: 12q21.32.
Variant type: single nucleotide variant.
Coding change: c.4071A>G on transcript NM_025114.4 (MANE Select); coding-DNA position 4071, A replaced by G.
Protein change: p.Gln1357=; no amino-acid change (glutamine 1357 retained).
Molecular consequence: synonymous variant.
Genome position (GRCh38, 1-based): chr12:88,087,903, T>C on the plus strand (A>G on the coding strand, the complement: CEP290 is on the minus strand). VCF-style: chr12-88087903-T-C. GRCh37 (hg19) VCF-style: chr12-88481680-T-C.
Other names: c.4071A>G (NM_025114.3).
Identifiers: ClinVar variation 2936673 (VCV002936673.4), dbSNP rs2500065242, ClinGen allele CA481076986.